The following is an entry in ClinVar:

NM_004568.6(SERPINB6):c.845T>C (p.Met282Thr)

Gene: SERPINB6 (serpin family B member 6; minus strand). Cytogenetic location: 6p25.2.
Variant type: single nucleotide variant.
Coding change: c.845T>C on transcript NM_004568.6 (MANE Select); coding-DNA position 845, T replaced by C.
Protein change: p.Met282Thr; replaces methionine 282 with threonine.
Molecular consequence: missense variant. On other transcripts: non-coding transcript variant (1).
Genome position (GRCh38, 1-based): chr6:2,948,584, A>G on the plus strand (T>C on the coding strand, the complement: SERPINB6 is on the minus strand). VCF-style: chr6-2948584-A-G. GRCh37 (hg19) VCF-style: chr6-2948818-A-G.
Other names: c.845T>C (NM_004568.5); c.857T>C, p.Met286Thr (NM_001195291.3, NM_001374515.1); c.887T>C, p.Met296Thr (NM_001271822.2); c.902T>C, p.Met301Thr (NM_001271823.2); c.845T>C, p.Met282Thr (NM_001271824.2, NM_001271825.2, NM_001297699.2 and 2 more transcripts); c.713T>C, p.Met238Thr (NM_001374517.1); short protein forms M286T, M296T, M282T, M301T, M238T.
Identifiers: ClinVar variation 504674 (VCV000504674.6), dbSNP rs374321672, ClinGen allele CA3617402.

ClinVar aggregate classification (germline): Uncertain significance. Review status: criteria provided, multiple submitters, no conflicts (2 of 4 stars). 2 submissions from 2 submitters: Uncertain significance (2). Last evaluated 2025-01-31.

Allele frequency attached by ClinVar (database versions not stated): ExAC 0.00001; gnomAD exomes 0.00001; gnomAD 0.00002; TOPMed 0.00002; ESP Exome Variant Server 0.00008.
gnomAD v4.1: 8 of 1,614,006 alleles (0.0005%); highest among the groups gnomAD compares: Admixed American, 0.0083%; no homozygotes.

Submissions (2):

GeneDx
Classification: Uncertain significance. Last evaluated: 2025-01-31. Review status: criteria provided, single submitter. Criteria: GeneDx Variant Classification Process June 2021. Collection method: clinical testing. Allele origin: germline. Affected: yes.
Comment: In silico analysis supports that this missense variant has a deleterious effect on protein structure/function; Has not been previously published as pathogenic or benign to our knowledge

Laboratory for Molecular Medicine, Mass General Brigham Personalized Medicine
Classification: Uncertain significance. Last evaluated: 2016-05-16. Review status: criteria provided, single submitter. Criteria: LMM Criteria. Collection method: clinical testing. Allele origin: germline. Observed: 1 variant allele.
Comment: The p.Met282Thr variant in SERPINB6 has not been previously reported in individu als with hearing loss, but has been identified in 1/11578 Latino chromosomes by the Exome Aggregation Consortium (ExAC; dbSNP rs 374321672). Although this variant has been seen in the general population, its f requency is not high enough to rule out a pathogenic role. Methionine (Met) at p osition 282 is not conserved in mammals or evolutionarily distant species, raisi ng the possibility that a change at this position may be tolerated. Additional c omputational prediction tools do not provide strong support for or against an im pact to the protein. In summary, the clinical significance of the p.Met282Thr va riant is uncertain.